The following is an entry in ClinVar:

NM_000152.5(GAA):c.2122C>T (p.His708Tyr)

Gene: GAA (alpha glucosidase; plus strand). Cytogenetic location: 17q25.3.
Variant type: single nucleotide variant.
Coding change: c.2122C>T on transcript NM_000152.5 (MANE Select); coding-DNA position 2122, C replaced by T.
Protein change: p.His708Tyr; replaces histidine 708 with tyrosine.
Molecular consequence: missense variant.
Genome position (GRCh38, 1-based): chr17:80,113,299, C>T. VCF-style: chr17-80113299-C-T. GRCh37 (hg19) VCF-style: chr17-78087098-C-T.
Other names: c.2122C>T (LRG_673t1); c.2122C>T, p.His708Tyr (NM_001079803.3, NM_001079804.3); short protein forms H708Y.
Identifiers: ClinVar variation 282642 (VCV000282642.18), dbSNP rs149916476, ClinGen allele CA8815617.

ClinVar aggregate classification (germline): Conflicting classifications of pathogenicity. Review status: criteria provided, conflicting classifications (1 of 4 stars). 6 submissions from 6 submitters: Uncertain significance (4); Likely benign (1). 1 of the submissions does not count toward it. Last evaluated 2026-07-01.

Conditions:
Glycogen storage disease, type II (IOPD). Also called: CARDIOMEGALIA GLYCOGENICA DIFFUSA; GLYCOGEN STORAGE DISEASE II, INFANTILE-ONSET; POMPE DISEASE, INFANTILE-ONSET; ACID ALPHA-GLUCOSIDASE DEFICIENCY, INFANTILE-ONSET; GAA DEFICIENCY, INFANTILE-ONSET; ACID MALTASE DEFICIENCY, INFANTILE-ONSET. Identifiers: Orphanet 365, MedGen C0017921, MONDO:0009290, OMIM 232300.
Cardiovascular phenotype. Identifiers: MedGen CN230736.

Allele frequency attached by ClinVar (database versions not stated): TOPMed 0.00004; ESP Exome Variant Server 0.00008; gnomAD 0.00010.

Submissions (6):

Genomenon, Inc
Classification: Uncertain significance for Glycogen storage disease, type II. Last evaluated: 2026-07-01. Review status: criteria provided, single submitter. Criteria: Genomenon Sequence Variant Interpretation Standards - Updated. Collection method: curation. Allele origin: germline. Affected: no.
Comment: GAA p.His708Tyr (c.2122C>T) is a missense variant that changes the amino acid at codon 708 from Histidine to Tyrosine. This variant has been reported in the published literature (PMID:30281819). It is absent or not present at a significant frequency in gnomAD. In silico models predict that this variant is not damaging. In conclusion, we classify GAA p.His708Tyr (c.2122C>T) as a variant of uncertain significance.

Labcorp Genetics (formerly Invitae), Labcorp
Classification: Uncertain significance for Glycogen storage disease, type II. Last evaluated: 2026-01-09. Review status: criteria provided, single submitter. Criteria: Invitae Variant Classification Sherloc (09022015). Collection method: clinical testing. Allele origin: germline.
Comment: This sequence change replaces histidine, which is basic and polar, with tyrosine, which is neutral and polar, at codon 708 of the GAA protein (p.His708Tyr). This variant is present in population databases (rs149916476, gnomAD 0.03%). This variant has not been reported in the literature in individuals affected with GAA-related conditions. ClinVar contains an entry for this variant (Variation ID: 282642). Invitae Evidence Modeling of protein sequence and biophysical properties (such as structural, functional, and spatial information, amino acid conservation, physicochemical variation, residue mobility, and thermodynamic stability) indicates that this missense variant is not expected to disrupt GAA protein function with a negative predictive value of 95%. In summary, the available evidence is currently insufficient to determine the role of this variant in disease. Therefore, it has been classified as a Variant of Uncertain Significance.

Ambry Genetics
Classification: Likely benign for Cardiovascular phenotype. Last evaluated: 2025-07-17. Review status: criteria provided, single submitter. Criteria: Ambry Variant Classification Scheme 2023. Collection method: clinical testing. Allele origin: germline.

Genome-Nilou Lab
Classification: Uncertain significance for Glycogen storage disease, type II. Last evaluated: 2021-09-05. Review status: criteria provided, single submitter. Criteria: ACMG Guidelines, 2015. Collection method: clinical testing. Allele origin: germline. Affected: no.

Eurofins Ntd Llc (ga)
Classification: Uncertain significance. Last evaluated: 2015-08-18. Review status: criteria provided, single submitter. Criteria: EGL Classification Definitions 2015. Collection method: clinical testing. Allele origin: germline. Observed: 1 variant allele, 1 heterozygote.

Natera, Inc.
Classification: Uncertain significance for Glycogen storage disease type II. Last evaluated: 2020-01-23. Review status: no assertion criteria provided. Collection method: clinical testing. Allele origin: germline. Not counted in ClinVar's aggregate classification.

Literature cited by the submitters: PubMed 30281819 (cited by Genomenon, Inc).